The following is an entry in ClinVar:

ClinVar aggregate classification (germline): Uncertain significance (1 of 4 stars; one submission).

Conditions:
Ulnar-mammary syndrome (UMS). Also called: SCHINZEL SYNDROME; Ulnar-mammary syndrome of Pallister; PALLISTER ULNAR-MAMMARY SYNDROME. Identifiers: Orphanet 3138, MedGen C1866994, MONDO:0008411, OMIM 181450.

gnomAD v4.1: 1 of 1,614,106 alleles (0.000062%); highest among the groups gnomAD compares: South Asian, 0.0011%; no homozygotes.

Submission:

Labcorp Genetics (formerly Invitae), Labcorp
Classification: Uncertain significance for Ulnar-mammary syndrome. Last evaluated: 2024-07-22. Review status: criteria provided, single submitter. Criteria: Invitae Variant Classification Sherloc (09022015). Collection method: clinical testing. Allele origin: germline.
Comment: This sequence change replaces serine, which is neutral and polar, with glycine, which is neutral and non-polar, at codon 246 of the TBX3 protein (p.Ser246Gly). This variant is not present in population databases (gnomAD no frequency). This variant has not been reported in the literature in individuals affected with TBX3-related conditions. An algorithm developed to predict the effect of missense changes on protein structure and function (PolyPhen-2) suggests that this variant is likely to be disruptive. In summary, the available evidence is currently insufficient to determine the role of this variant in disease. Therefore, it has been classified as a Variant of Uncertain Significance.

NM_005996.4(TBX3):c.736A>G (p.Ser246Gly)

Gene: TBX3 (T-box transcription factor 3; minus strand). Cytogenetic location: 12q24.21.
Variant type: single nucleotide variant.
Coding change: c.736A>G on transcript NM_005996.4 (MANE Select); coding-DNA position 736, A replaced by G.
Protein change: p.Ser246Gly; replaces serine 246 with glycine.
Molecular consequence: missense variant.
Genome position (GRCh38, 1-based): chr12:114,679,573, T>C on the plus strand (A>G on the coding strand, the complement: TBX3 is on the minus strand). VCF-style: chr12-114679573-T-C. GRCh37 (hg19) VCF-style: chr12-115117378-T-C.
Other names: c.796A>G, p.Ser266Gly (NM_016569.4); short protein forms S246G, S266G.
Identifiers: ClinVar variation 3666241 (VCV003666241.2).